The following is an entry in ClinVar:

NM_000147.5(FUCA1):c.1206G>A (p.Trp402Ter)

Gene: FUCA1 (alpha-L-fucosidase 1; minus strand). Cytogenetic location: 1p36.11.
Variant type: single nucleotide variant.
Coding change: c.1206G>A on transcript NM_000147.5 (MANE Select); coding-DNA position 1206, G replaced by A.
Protein change: p.Trp402Ter; replaces tryptophan 402 with a stop codon.
Molecular consequence: nonsense. On other transcripts: non-coding transcript variant (4).
Genome position (GRCh38, 1-based): chr1:23,846,128, C>T on the plus strand (G>A on the coding strand, the complement: FUCA1 is on the minus strand). VCF-style: chr1-23846128-C-T. GRCh37 (hg19) VCF-style: chr1-24172618-C-T.
Other names: short protein forms W402*.
Identifiers: ClinVar variation 2185928 (VCV002185928.4), dbSNP rs1026833196, ClinGen allele CA339034611.

ClinVar aggregate classification (germline): Pathogenic (1 of 4 stars; one submission).

Conditions:
Fucosidosis. Also called: ALPHA-L-FUCOSIDASE DEFICIENCY. Identifiers: Orphanet 349, MedGen C0016788, MONDO:0009254, OMIM 230000.

Submission:

Labcorp Genetics (formerly Invitae), Labcorp
Classification: Pathogenic for Fucosidosis. Last evaluated: 2022-10-10. Review status: criteria provided, single submitter. Criteria: Invitae Variant Classification Sherloc (09022015). Collection method: clinical testing. Allele origin: germline.
Comment: This sequence change creates a premature translational stop signal (p.Trp402*) in the FUCA1 gene. It is expected to result in an absent or disrupted protein product. Loss-of-function variants in FUCA1 are known to be pathogenic (PMID: 10094192). For these reasons, this variant has been classified as Pathogenic. This variant has not been reported in the literature in individuals affected with FUCA1-related conditions. This variant is not present in population databases (gnomAD no frequency).

Literature cited by the submitters: PubMed 10094192.